The following is an entry in ClinVar:

ClinVar aggregate classification (germline): Uncertain significance (1 of 4 stars; one submission).

Conditions:
Complex neurodevelopmental disorder. Identifiers: Orphanet 528084, MedGen C5568766, MONDO:0100038.

Submission:

Dasa
Classification: Uncertain significance for Complex neurodevelopmental disorder. Last evaluated: 2026-01-16. Review status: criteria provided, single submitter. Criteria: DASA Assertion Criteria. Collection method: clinical testing. Allele origin: germline.
Comment: NM_001330078.2(NRXN1):c.3257C>T (p.Thr1086Ile) is a missense variant that results in the substitution of threonine with isoleucine. This variant is rare in population databases. The currently available literature and clinical evidence are not sufficient to establish a definitive association between this variant and the reported condition. Therefore, this variant is classified as a variant of uncertain significance.

NM_001330078.2(NRXN1):c.3257C>T (p.Thr1086Ile)

Gene: NRXN1 (neurexin 1; minus strand). Cytogenetic location: 2p16.3.
Variant type: single nucleotide variant.
Coding change: c.3257C>T on transcript NM_001330078.2 (MANE Select); coding-DNA position 3257, C replaced by T.
Protein change: p.Thr1086Ile; replaces threonine 1086 with isoleucine.
Molecular consequence: missense variant.
Genome position (GRCh38, 1-based): chr2:50,465,549, G>A on the plus strand (C>T on the coding strand, the complement: NRXN1 is on the minus strand). VCF-style: chr2-50465549-G-A. GRCh37 (hg19) VCF-style: chr2-50692687-G-A.
Other names: c.3377C>T, p.Thr1126Ile (NM_001135659.3); c.3233C>T, p.Thr1078Ile (NM_001330077.2, NM_001330082.2); c.3191C>T, p.Thr1064Ile (NM_001330083.2, NM_001330084.2); c.3230C>T, p.Thr1077Ile (NM_001330085.2); c.3257C>T, p.Thr1086Ile (NM_001330086.2, NM_004801.6); c.3146C>T, p.Thr1049Ile (NM_001330087.2, NM_001330096.2); c.3176C>T, p.Thr1059Ile (NM_001330088.2); c.3254C>T, p.Thr1085Ile (NM_001330093.2); and 2 more; short protein forms T1049I, T1059I, T1064I, T1069I, T1077I, T1078I, T1082I, T1085I.
Identifiers: ClinVar variation 4881857 (VCV004881857.2).
Genomic context (GRCh38, chr2:50,465,549, plus strand): 5'-CTGAAGCCATCCCATTGTTGCAAGCACACACCTTGATTGGAACATGAGTCCTCTTGGCAG[G>A]TTGTGCTGGGCCCTGCAAAACAATCCAAAGGAAACTTGGGTTCTTTAAAAGAATCCAAAA-3'
Protein context (NP_001317007.1, residues 1076-1096): IERGCEGPST[Thr1086Ile]CQEDSCSNQG